The following is an entry in ClinVar:

NM_005428.4(VAV1):c.704T>A (p.Ile235Asn)

Gene: VAV1 (vav guanine nucleotide exchange factor 1; plus strand). Cytogenetic location: 19p13.3.
Variant type: single nucleotide variant.
Coding change: c.704T>A on transcript NM_005428.4 (MANE Select); coding-DNA position 704, T replaced by A.
Protein change: p.Ile235Asn; replaces isoleucine 235 with asparagine.
Molecular consequence: missense variant.
Genome position (GRCh38, 1-based): chr19:6,825,102, T>A. VCF-style: chr19-6825102-T-A. GRCh37 (hg19) VCF-style: chr19-6825113-T-A.
Other names: c.704T>A, p.Ile235Asn (NM_001258206.2); c.608T>A, p.Ile203Asn (NM_001258207.2); short protein forms I235N, I203N.
Identifiers: ClinVar variation 2770165 (VCV002770165.3), dbSNP rs184362178, ClinGen allele CA9132309.
Genomic context (GRCh38, chr19:6,825,102, plus strand): 5'-CTTCCCCGCAGCATTTCTTGAAGCCCCTGCAACGGTTCCTGAAACCTCAAGACATTGAGA[T>A]CATCTTTATCAACATTGAGGTGAGCCGGCCGATCCCCAGCCCTCTTGGGTCTGTCTAGTG-3'
Protein context (NP_005419.2, residues 225-245): QRFLKPQDIE[Ile235Asn]IFINIEDLLR

ClinVar aggregate classification (germline): Uncertain significance (1 of 4 stars; one submission).

Allele frequency attached by ClinVar (database versions not stated): gnomAD exomes below 0.00001; ExAC 0.00001; gnomAD 0.00001; 1000 Genomes Project 30x 0.00016; 1000 Genomes Project 0.00020.
gnomAD v4.1: 2 of 1,612,916 alleles (0.00012%); highest among the groups gnomAD compares: Admixed American, 0.0033%; no homozygotes.

Submission:

Labcorp Genetics (formerly Invitae), Labcorp
Classification: Uncertain significance. Last evaluated: 2023-10-19. Review status: criteria provided, single submitter. Criteria: Invitae Variant Classification Sherloc (09022015). Collection method: clinical testing. Allele origin: germline.
Comment: This sequence change replaces isoleucine, which is neutral and non-polar, with asparagine, which is neutral and polar, at codon 235 of the VAV1 protein (p.Ile235Asn). This variant is not present in population databases (gnomAD no frequency). This variant has not been reported in the literature in individuals affected with VAV1-related conditions. An algorithm developed to predict the effect of missense changes on protein structure and function (PolyPhen-2) suggests that this variant is likely to be tolerated. In summary, the available evidence is currently insufficient to determine the role of this variant in disease. Therefore, it has been classified as a Variant of Uncertain Significance.